The following is an entry in ClinVar:

NC_012920.1(MT-ND4):m.11318T>C

Gene: MT-ND4 (mitochondrially encoded NADH dehydrogenase 4; plus strand).
Variant type: single nucleotide variant.
Genome position: chrM-11318-T-C.
Identifiers: ClinVar variation 693361 (VCV000693361.1), dbSNP rs1603223235, ClinGen allele CA414809920.
Genomic context (GRCh38, chrMT:11,318, plus strand): 5'-ACTCACAACACCCTAGGCTCACTAAACATTCTACTACTCACTCTCACTGCCCAAGAACTA[T>C]CAAACTCCTGAGCCAACAACTTAATATGACTAGCTTACACAATAGCTTTTATAGTAAAGA-3'

ClinVar aggregate classification (germline): Likely benign (1 of 4 stars; one submission).

Conditions:
Leigh syndrome (NULS). Also called: Leigh's necrotizing encephalopathy; Leigh's disease; Leigh Syndrome (mtDNA deletion); Leigh Disease; Subacute necrotizing encephalopathy; Necrotizing encephalopathy infantile subacute of Leigh. Identifiers: Orphanet 506, MedGen C2931891, MONDO:0009723, OMIM 256000.

Submission:

Wong Mito Lab, Molecular and Human Genetics, Baylor College of Medicine
Classification: Likely benign for Leigh syndrome. Last evaluated: 2019-10-17. Review status: criteria provided, single submitter. Criteria: Modified ACMG Guidelines (Unpublished). Collection method: clinical testing. Allele origin: germline.
Comment: The NC_012920.1:m.11318T>C (YP_003024035.1:p.Ser187Pro) variant in MTND4 gene is interpretated to be a Likely Benign variant based on the modified ACMG guidelines (unpublished). This variant meets the following evidence codes: BS4, BP4, BP5